The following is an entry in ClinVar:

NM_181486.4(TBX5):c.38C>A (p.Thr13Lys)

Gene: TBX5 (T-box transcription factor 5; minus strand). Cytogenetic location: 12q24.21.
Variant type: single nucleotide variant.
Coding change: c.38C>A on transcript NM_181486.4 (MANE Select); coding-DNA position 38, C replaced by A.
Protein change: p.Thr13Lys; replaces threonine 13 with lysine.
Molecular consequence: missense variant. On other transcripts: intron variant (1).
Genome position (GRCh38, 1-based): chr12:114,403,861, G>T on the plus strand (C>A on the coding strand, the complement: TBX5 is on the minus strand). VCF-style: chr12-114403861-G-T. GRCh37 (hg19) VCF-style: chr12-114841666-G-T.
Other names: c.38C>A, p.Thr13Lys (NM_000192.3); c.-3-1941C>A (NM_080717.4); short protein forms T13K.
Identifiers: ClinVar variation 519312 (VCV000519312.12), dbSNP rs763125466, ClinGen allele CA6809739.
Genomic context (GRCh38, chr12:114,403,861, plus strand): 5'-CCGAGCGCGCTCTCGGGTTTCGAATCGCAGGGCAGGTCTTTTGCGTCAGGCTCCAGAGGC[G>T]TGTGCGCCAGGCCAAAGCCCTCGTCTGCGTCGGCCATGGTGCGCCCAGGGCCCTGTGCCC-3'
Protein context (NP_852259.1, residues 3-23): DADEGFGLAH[Thr13Lys]PLEPDAKDLP

ClinVar aggregate classification (germline): Uncertain significance. Review status: criteria provided, multiple submitters, no conflicts (2 of 4 stars). 4 submissions from 4 submitters: Uncertain significance (4). Last evaluated 2025-07-11.

Conditions:
Cardiovascular phenotype. Identifiers: MedGen CN230736.
Aortic valve disease 2 (AOVD2). Identifiers: MedGen C3542024, MONDO:0013902, OMIM 614823.
Holt-Oram syndrome (HOS). Also called: TBX5-Related Holt-Oram Syndrome; Ventriculo-radial syndrome; Cardiac-limb syndrome; Heart-hand syndrome, type 1. Identifiers: Orphanet 392, MedGen C0265264, MONDO:0007732, OMIM 142900.

Allele frequency attached by ClinVar (database versions not stated): gnomAD exomes below 0.00001; TOPMed below 0.00001; ExAC 0.00001.
gnomAD v4.1: 9 of 1,613,758 alleles (0.00056%); highest among the groups gnomAD compares: East Asian, 0.0045%; no homozygotes.

Submissions (4):

Labcorp Genetics (formerly Invitae), Labcorp
Classification: Uncertain significance for Aortic valve disease 2. Last evaluated: 2025-07-11. Review status: criteria provided, single submitter. Criteria: Invitae Variant Classification Sherloc (09022015). Collection method: clinical testing. Allele origin: germline.
Comment: This sequence change replaces threonine, which is neutral and polar, with lysine, which is basic and polar, at codon 13 of the TBX5 protein (p.Thr13Lys). The frequency data for this variant in the population databases is considered unreliable, as metrics indicate poor data quality at this position in the gnomAD database. This variant has not been reported in the literature in individuals affected with TBX5-related conditions. ClinVar contains an entry for this variant (Variation ID: 519312). Invitae Evidence Modeling of protein sequence and biophysical properties (such as structural, functional, and spatial information, amino acid conservation, physicochemical variation, residue mobility, and thermodynamic stability) indicates that this missense variant is not expected to disrupt TBX5 protein function with a negative predictive value of 95%. In summary, the available evidence is currently insufficient to determine the role of this variant in disease. Therefore, it has been classified as a Variant of Uncertain Significance.

Ambry Genetics
Classification: Uncertain significance for Cardiovascular phenotype. Last evaluated: 2025-05-15. Review status: criteria provided, single submitter. Criteria: Ambry Variant Classification Scheme 2023. Collection method: clinical testing. Allele origin: germline.
Comment: The p.T13K variant (also known as c.38C>A), located in coding exon 1 of the TBX5 gene, results from a C to A substitution at nucleotide position 38. The threonine at codon 13 is replaced by lysine, an amino acid with similar properties. This amino acid position is well conserved in available vertebrate species. In addition, the in silico prediction for this alteration is inconclusive. Since supporting evidence is limited at this time, the clinical significance of this alteration remains unclear.

Baylor Genetics
Classification: Uncertain significance for Holt-Oram syndrome. Last evaluated: 2022-09-10. Review status: criteria provided, single submitter. Criteria: ACMG Guidelines, 2015. Collection method: clinical testing. Allele origin: unknown.

Fulgent Genetics
Classification: Uncertain significance for Holt-Oram syndrome. Last evaluated: 2021-10-09. Review status: criteria provided, single submitter. Criteria: ACMG Guidelines, 2015. Collection method: clinical testing. Allele origin: unknown.